The following is an entry in ClinVar:

NM_000059.4(BRCA2):c.707dup (p.His236fs)

Gene: BRCA2 (BRCA2 DNA repair associated; plus strand). Cytogenetic location: 13q13.1.
Variant type: Duplication.
Coding change: c.707dup on transcript NM_000059.4 (MANE Select); coding-DNA position 707, one base duplicated (A; older notation c.707dupA).
Protein change: p.His236fs; shifts the reading frame from histidine 236.
Molecular consequence: frameshift variant. On other transcripts: non-coding transcript variant (1).
Genome position (GRCh38, 1-based): chr13:32,330,944, A duplicated. VCF-style (leftmost placement, unchanged base first): chr13-32330943-C-CA. GRCh37 (hg19) VCF-style: chr13-32905080-C-CA.
Other names: c.707dup, p.His236fs (NM_001406719.1, NM_001406720.1, NM_001406721.1 and 1 more transcripts); c.338dup, p.His113fs (NM_001406722.1); c.707dupA (NM_000059.3); short protein forms H236fs, H113fs.
Identifiers: ClinVar variation 3825483 (VCV003825483.1).

ClinVar aggregate classification (germline): Pathogenic (1 of 4 stars; one submission).

Conditions:
Hereditary cancer-predisposing syndrome. Also called: Hereditary neoplastic syndrome; Neoplastic Syndromes, Hereditary; Tumor predisposition; Hereditary Cancer Syndrome. Identifiers: Orphanet 140162, MedGen C0027672, MeSH D009386, MONDO:0015356.

Submission:

Ambry Genetics
Classification: Pathogenic for Hereditary cancer-predisposing syndrome. Last evaluated: 2025-03-14. Review status: criteria provided, single submitter. Criteria: Ambry Variant Classification Scheme 2023. Collection method: clinical testing. Allele origin: germline.
Comment: The c.707dupA pathogenic mutation, located in coding exon 8 of the BRCA2 gene, results from a duplication of A at nucleotide position 707, causing a translational frameshift with a predicted alternate stop codon (p.H236Qfs*2). This variant is considered to be rare based on population cohorts in the Genome Aggregation Database (gnomAD). This alteration is expected to result in loss of function by premature protein truncation or nonsense-mediated mRNA decay. As such, this alteration is interpreted as a disease-causing mutation.